The following is an entry in ClinVar:

NM_004369.4(COL6A3):c.6677C>T (p.Thr2226Ile)

Gene: COL6A3 (collagen type VI alpha 3 chain; minus strand). Cytogenetic location: 2q37.3.
Variant type: single nucleotide variant.
Coding change: c.6677C>T on transcript NM_004369.4 (MANE Select); coding-DNA position 6677, C replaced by T.
Protein change: p.Thr2226Ile; replaces threonine 2226 with isoleucine.
Molecular consequence: missense variant.
Genome position (GRCh38, 1-based): chr2:237,353,354, G>A on the plus strand (C>T on the coding strand, the complement: COL6A3 is on the minus strand). VCF-style: chr2-237353354-G-A. GRCh37 (hg19) VCF-style: chr2-238261997-G-A.
Other names: c.4856C>T, p.Thr1619Ile (NM_057166.5); c.6059C>T, p.Thr2020Ile (NM_057167.4); short protein forms T2226I, T1619I, T2020I.
Identifiers: ClinVar variation 288445 (VCV000288445.17), dbSNP rs376621780, ClinGen allele CA2188139.
Genomic context (GRCh38, chr2:237,353,354, plus strand): 5'-ATTTGTGAAATATCAGAGGGCACACAGTCACACACGGAAGCACTCACCTGTGCACCTCTG[G>A]TCCCCTGCTCTCCCTCAAAGCCCGGCTGGCCAGGACCGCCCTTGTTGCCCTTTGAAATAA-3'
Protein context (NP_004360.2, residues 2216-2236): GQPGFEGEQG[Thr2226Ile]RGAQGPAGPA

ClinVar aggregate classification (germline): Uncertain significance. Review status: criteria provided, multiple submitters, no conflicts (2 of 4 stars). 3 submissions from 3 submitters: Uncertain significance (3). Last evaluated 2025-08-31.

Conditions:
Inborn genetic diseases. Identifiers: MedGen C0950123, MeSH D030342.
Bethlem myopathy 1A. Also called: Bethlem Muscular Dystrophy; MYOPATHY, BENIGN CONGENITAL, WITH CONTRACTURES; Bethlem myopathy 1. Identifiers: Orphanet 610, MedGen CN029274, MONDO:0024530, OMIM 158810.

Allele frequency attached by ClinVar (database versions not stated): gnomAD exomes below 0.00001 and 0.00001; ExAC 0.00001; gnomAD 0.00001 and 0.00002; TOPMed 0.00002; ESP Exome Variant Server 0.00008.
gnomAD v4.1: 24 of 1,614,046 alleles (0.0015%); highest among the groups gnomAD compares: Non-Finnish European, 0.0019%; no homozygotes.

Submissions (3):

Ambry Genetics
Classification: Uncertain significance for Inborn genetic diseases. Last evaluated: 2025-08-31. Review status: criteria provided, single submitter. Criteria: Ambry Variant Classification Scheme 2023. Collection method: clinical testing. Allele origin: germline.

Labcorp Genetics (formerly Invitae), Labcorp
Classification: Uncertain significance for Bethlem myopathy 1A. Last evaluated: 2025-01-30. Review status: criteria provided, single submitter. Criteria: Invitae Variant Classification Sherloc (09022015). Collection method: clinical testing. Allele origin: germline.
Comment: This sequence change replaces threonine, which is neutral and polar, with isoleucine, which is neutral and non-polar, at codon 2226 of the COL6A3 protein (p.Thr2226Ile). This variant is present in population databases (rs376621780, gnomAD 0.002%). This variant has not been reported in the literature in individuals affected with COL6A3-related conditions. ClinVar contains an entry for this variant (Variation ID: 288445). Invitae Evidence Modeling of protein sequence and biophysical properties (such as structural, functional, and spatial information, amino acid conservation, physicochemical variation, residue mobility, and thermodynamic stability) indicates that this missense variant is not expected to disrupt COL6A3 protein function with a negative predictive value of 80%. In summary, the available evidence is currently insufficient to determine the role of this variant in disease. Therefore, it has been classified as a Variant of Uncertain Significance.

Eurofins Ntd Llc (ga)
Classification: Uncertain significance. Last evaluated: 2018-05-31. Review status: criteria provided, single submitter. Criteria: EGL ClinVar v180209 classification definitions. Collection method: clinical testing. Allele origin: germline. Observed: 2 variant alleles, 2 heterozygotes.